The following is an entry in ClinVar:

NM_000506.5(F2):c.923_926del (p.Asp308fs)

Gene: F2 (coagulation factor II, thrombin; plus strand). Cytogenetic location: 11p11.2.
Variant type: Deletion.
Coding change: c.923_926del on transcript NM_000506.5 (MANE Select); coding-DNA positions 923 to 926, 4 bases deleted (ACAG; older notation c.923_926delACAG).
Protein change: p.Asp308fs; shifts the reading frame from aspartic acid 308.
Molecular consequence: frameshift variant.
Genome position (GRCh38, 1-based): chr11:46,726,546-46,726,549, ACAG deleted; deleting any 4 consecutive bases within chr11:46,726,543-46,726,549 gives the same sequence; the c. name uses the placement nearest the transcript's 3' end. VCF-style (leftmost placement, unchanged base first): chr11-46726542-TCAGA-T. GRCh37 (hg19) VCF-style: chr11-46748092-TCAGA-T.
Other names: short protein forms D308fs.
Identifiers: ClinVar variation 2872207 (VCV002872207.3), dbSNP rs2502830373, ClinGen allele CA2739270427.

ClinVar aggregate classification (germline): Pathogenic (1 of 4 stars; one submission).

Conditions:
Congenital prothrombin deficiency. Also called: Factor II deficiency; Hereditary factor II deficiency disease; HYPOPROTHROMBINEMIA; Inherited hypoprothrombinemia; Congenital factor II deficiency; Inherited prothrombin deficiency. Identifiers: Orphanet 325, MedGen C0272317, MONDO:0013361, OMIM 613679.

Submission:

Labcorp Genetics (formerly Invitae), Labcorp
Classification: Pathogenic for Congenital prothrombin deficiency. Last evaluated: 2023-09-18. Review status: criteria provided, single submitter. Criteria: Invitae Variant Classification Sherloc (09022015). Collection method: clinical testing. Allele origin: germline.
Comment: This sequence change creates a premature translational stop signal (p.Asp308Glyfs*71) in the F2 gene. It is expected to result in an absent or disrupted protein product. Loss-of-function variants in F2 are known to be pathogenic (PMID: 23852823). This variant is not present in population databases (gnomAD no frequency). This variant has not been reported in the literature in individuals affected with F2-related conditions. Algorithms developed to predict the effect of sequence changes on RNA splicing suggest that this variant may disrupt the consensus splice site. For these reasons, this variant has been classified as Pathogenic.

Literature cited by the submitters: PubMed 23852823.